The following is an entry in ClinVar:

NM_000027.4(AGA):c.268dup (p.Met90fs)

Gene: AGA (aspartylglucosaminidase; minus strand). Cytogenetic location: 4q34.3.
Variant type: Duplication.
Coding change: c.268dup on transcript NM_000027.4 (MANE Select); coding-DNA position 268, one base duplicated (A; older notation c.268dupA).
Protein change: p.Met90fs; shifts the reading frame from methionine 90.
Molecular consequence: frameshift variant. On other transcripts: non-coding transcript variant (1).
Genome position (GRCh38, 1-based): chr4:177,440,286, T duplicated on the plus strand (A on the coding strand, the reverse complement: AGA is on the minus strand). VCF-style (leftmost placement, unchanged base first): chr4-177440285-A-AT. GRCh37 (hg19) VCF-style: chr4-178361439-A-AT.
Other names: c.268dup, p.Met90fs (NM_001171988.2); short protein forms M90fs.
Identifiers: ClinVar variation 1357402 (VCV001357402.6), dbSNP rs2111021475, ClinGen allele CA2573138205.

ClinVar aggregate classification (germline): Pathogenic (1 of 4 stars; one submission).

Conditions:
Aspartylglucosaminuria (AGU). Also called: Aspartylglucos-aminuria; Aspartylglucos-amidase (AGA) deficiency; GLYCOASPARAGINASE; GLYCOSYLASPARAGINASE DEFICIENCY; AGA DEFICIENCY. Identifiers: Orphanet 93, MedGen C0268225, MONDO:0008830, OMIM 208400, HP:0012068.

Submission:

Labcorp Genetics (formerly Invitae), Labcorp
Classification: Pathogenic for Aspartylglucosaminuria. Last evaluated: 2021-08-09. Review status: criteria provided, single submitter. Criteria: Invitae Variant Classification Sherloc (09022015). Collection method: clinical testing. Allele origin: germline.
Comment: For these reasons, this variant has been classified as Pathogenic. This variant has not been reported in the literature in individuals affected with AGA-related conditions. This variant is not present in population databases (ExAC no frequency). This sequence change creates a premature translational stop signal (p.Met90Asnfs*20) in the AGA gene. It is expected to result in an absent or disrupted protein product. Loss-of-function variants in AGA are known to be pathogenic (PMID: 7627186, 11309371).

Literature cited by the submitters: PubMed 7627186; PubMed 11309371.